The following is an entry in ClinVar:

NM_004667.6(HERC2):c.9283G>T (p.Ala3095Ser)

Gene: HERC2 (HECT and RLD domain containing E3 ubiquitin protein ligase 2; minus strand). Cytogenetic location: 15q13.1.
Variant type: single nucleotide variant.
Coding change: c.9283G>T on transcript NM_004667.6 (MANE Select); coding-DNA position 9283, G replaced by T.
Protein change: p.Ala3095Ser; replaces alanine 3095 with serine.
Molecular consequence: missense variant.
Genome position (GRCh38, 1-based): chr15:28,177,099, C>A on the plus strand (G>T on the coding strand, the complement: HERC2 is on the minus strand). VCF-style: chr15-28177099-C-A. GRCh37 (hg19) VCF-style: chr15-28422245-C-A.
Other names: c.9283G>T (NM_004667.4); short protein forms A3095S.
Identifiers: ClinVar variation 1187008 (VCV001187008.12), dbSNP rs142753406, ClinGen allele CA7441191.

ClinVar aggregate classification (germline): Uncertain significance. Review status: criteria provided, multiple submitters, no conflicts (2 of 4 stars). 4 submissions from 4 submitters: Uncertain significance (3). 1 of the submissions does not count toward it. Last evaluated 2025-09-22.

Conditions:
Inborn genetic diseases. Identifiers: MedGen C0950123, MeSH D030342.
HERC2-related disorder. Also called: HERC2-related condition.

Allele frequency attached by ClinVar (database versions not stated): gnomAD exomes 0.00006 and 0.00011; ExAC 0.00016; ESP Exome Variant Server 0.00031; 1000 Genomes Project 0.00040; TOPMed 0.00056; gnomAD 0.00059 and 0.00062; 1000 Genomes Project 30x 0.00062.
gnomAD v4.1: 180 of 1,613,308 alleles (0.011%); highest among the groups gnomAD compares: African/African-American, 0.19%; 2 homozygotes.

Submissions (4):

GeneDx
Classification: Uncertain significance. Last evaluated: 2025-09-22. Review status: criteria provided, single submitter. Criteria: GeneDx Variant Classification Process June 2021. Collection method: clinical testing. Allele origin: germline. Affected: yes.
Comment: In silico analysis suggests that this missense variant does not alter protein structure/function; Has not been previously published as pathogenic or benign to our knowledge

Mendelics
Classification: Uncertain significance. Last evaluated: 2022-05-04. Review status: criteria provided, single submitter. Criteria: Mendelics Assertion Criteria 2019. Collection method: clinical testing. Allele origin: germline.

Ambry Genetics
Classification: Uncertain significance for Inborn genetic diseases. Last evaluated: 2022-01-19. Review status: criteria provided, single submitter. Criteria: Ambry Variant Classification Scheme 2023. Collection method: clinical testing. Allele origin: germline.

PreventionGenetics, part of Exact Sciences
Classification: Likely benign for HERC2-related condition. Last evaluated: 2022-02-28. Review status: no assertion criteria provided. Collection method: clinical testing. Allele origin: germline. Not counted in ClinVar's aggregate classification.
Comment: This variant is classified as likely benign based on ACMG/AMP sequence variant interpretation guidelines (Richards et al. 2015 PMID: 25741868, with internal and published modifications).